The following is an entry in ClinVar:

NM_000545.8(HNF1A):c.620dup (p.Ala209fs)

Gene: HNF1A (HNF1 homeobox A; plus strand). Cytogenetic location: 12q24.31.
Variant type: Duplication.
Coding change: c.620dup on transcript NM_000545.8 (MANE Select); coding-DNA position 620, one base duplicated (G; older notation c.620dupG).
Protein change: p.Ala209fs; shifts the reading frame from alanine 209.
Molecular consequence: frameshift variant.
Genome position (GRCh38, 1-based): chr12:120,993,613, G duplicated; the last of 4 consecutive G bases (chr12:120,993,610-120,993,613); duplicating any one gives the same sequence. VCF-style (leftmost placement, unchanged base first): chr12-120993609-T-TG. GRCh37 (hg19) VCF-style: chr12-121431412-T-TG.
Other names: NM_001306179.2:c.620dup; c.620dup, p.Ala209fs (NM_001306179.2, NM_001406915.1); short protein forms A209fs.
Identifiers: ClinVar variation 4687887 (VCV004687887.1).

ClinVar aggregate classification (germline): Pathogenic (3 of 4 stars; one submission).

Conditions:
Monogenic diabetes. Identifiers: Orphanet 183625, MedGen C3888631, MONDO:0015967.

Submission:

ClinGen Monogenic Diabetes Variant Curation Expert Panel
Classification: Pathogenic for Monogenic diabetes. Last evaluated: 2026-01-28. Review status: reviewed by expert panel. Criteria: ClinGen Diabetes ACMG Specifications HNF1A V3.1.0. Collection method: curation. Allele origin: germline. Inheritance: Autosomal dominant inheritance.
Comment: The c.620dup variant in the HNF1 homeobox A gene, HNF1A, causes a frameshift in the protein at codon 209 (NM_000545.8), adding 11 novel amino acids before encountering a stop codon (p.(Ala209SerfsTer11)). This variant, located in biologically-relevant exon 3 of 10, is predicted to lead to nonsense mediated decay in a gene in which loss-of-function is an established disease mechanism (PVS1; PMID: [23348805]). This variant is absent from gnomAD v4.1.0 (PM2_Supporting). This variant segregated with diabetes, with at least 4 informative meioses in 2 families (PP1_Strong; internal lab contributors). This variant was identified in an individual with diabetes; however, the MODY probability is unable to be calculated due to lack of clinical information and HNF4A was not tested (internal lab contributors). This variant was identified in two unrelated individuals with non-autoimmune and non-absolute/near-absolute insulin-deficient diabetes; however, PS4_Moderate cannot be applied because this number is below the ClinGen MDEP threshold (internal lab contributors). In summary, c.620dup meets the criteria to be classified as pathogenic for monogenic diabetes. ACMG/AMP criteria applied, as specified by the ClinGen MDEP VCEP (specification version 3.1.0, approved 10/10/2025): PVS1, PP1_strong, PM2_supporting.

Literature cited by the submitters: PubMed 23348805.